The following is an entry in ClinVar:

NM_001385125.1(OPN1SW):c.331G>A (p.Gly111Ser)

Gene: OPN1SW (opsin 1, short wave sensitive; minus strand). Cytogenetic location: 7q32.1.
Variant type: single nucleotide variant.
Coding change: c.331G>A on transcript NM_001385125.1 (MANE Select); coding-DNA position 331, G replaced by A.
Protein change: p.Gly111Ser; replaces glycine 111 with serine.
Molecular consequence: missense variant.
Genome position (GRCh38, 1-based): chr7:128,775,451, C>T on the plus strand (G>A on the coding strand, the complement: OPN1SW is on the minus strand). VCF-style: chr7-128775451-C-T. GRCh37 (hg19) VCF-style: chr7-128415505-C-T.
Other names: short protein forms G111S.
Identifiers: ClinVar variation 2119304 (VCV002119304.4), dbSNP rs1801741025, ClinGen allele CA369221218.
Genomic context (GRCh38, chr7:128,775,451, plus strand): 5'-GGAGTAGCAACCTTTGCCTTCCCCTAACCCCTTTTTCCCCTGCAGTACCTGCTACAGTGC[C>T]CAGGAAGCCCTCCAAAGCACAAACATGGCGACCGAAGACGAAGTATCCGTTACAGCTGGC-3'
Protein context (NP_001372054.1, residues 101-121): RHVCALEGFL[Gly111Ser]TVAGLVTGWS

ClinVar aggregate classification (germline): Uncertain significance (1 of 4 stars; one submission).

Allele frequency attached by ClinVar (database versions not stated): gnomAD exomes below 0.00001.
gnomAD v4.1: 1 of 1,613,462 alleles (0.000062%); highest among the groups gnomAD compares: Non-Finnish European, 0.000085%; no homozygotes.

Submission:

Labcorp Genetics (formerly Invitae), Labcorp
Classification: Uncertain significance. Last evaluated: 2025-03-13. Review status: criteria provided, single submitter. Criteria: Invitae Variant Classification Sherloc (09022015). Collection method: clinical testing. Allele origin: germline.
Comment: This sequence change replaces glycine, which is neutral and non-polar, with serine, which is neutral and polar, at codon 114 of the OPN1SW protein (p.Gly114Ser). This variant is not present in population databases (gnomAD no frequency). This variant has not been reported in the literature in individuals affected with OPN1SW-related conditions. ClinVar contains an entry for this variant (Variation ID: 2119304). An algorithm developed to predict the effect of missense changes on protein structure and function (PolyPhen-2) suggests that this variant is likely to be disruptive. In summary, the available evidence is currently insufficient to determine the role of this variant in disease. Therefore, it has been classified as a Variant of Uncertain Significance.